The following is an entry in ClinVar:

NM_000023.4(SGCA):c.73C>T (p.Gln25Ter)

Gene: SGCA (sarcoglycan alpha; plus strand). Cytogenetic location: 17q21.33.
Variant type: single nucleotide variant.
Coding change: c.73C>T on transcript NM_000023.4 (MANE Select); coding-DNA position 73, C replaced by T.
Protein change: p.Gln25Ter; replaces glutamine 25 with a stop codon.
Molecular consequence: nonsense. On other transcripts: non-coding transcript variant (1).
Genome position (GRCh38, 1-based): chr17:50,167,403, C>T. VCF-style: chr17-50167403-C-T. GRCh37 (hg19) VCF-style: chr17-48244764-C-T.
Other names: c.73C>T, p.Gln25Ter (NM_001135697.3); short protein forms Q25*.
Identifiers: ClinVar variation 4884192 (VCV004884192.2).

ClinVar aggregate classification (germline): Likely pathogenic (1 of 4 stars; one submission).

Submission:

Dasa
Classification: Likely pathogenic. Last evaluated: 2025-05-27. Review status: criteria provided, single submitter. Criteria: DASA Assertion Criteria. Collection method: clinical testing. Allele origin: germline.
Comment: NM_000023.4(SGCA):c.73C>T (p.Gln25*) is a nonsense variant in SGCA predicted to introduce a premature termination codon and is predicted to result in an absent or altered protein product. Loss of function is an established disease mechanism for SGCA-associated disorders. Also, this variant is rare in population databases. Based on the currently available evidence, this variant is classified as likely pathogenic.